The following is an entry in ClinVar:

ClinVar aggregate classification (germline): Likely benign. Review status: criteria provided, multiple submitters, no conflicts (2 of 4 stars). 2 submissions from 2 submitters: Likely benign (2). Last evaluated 2023-08-18.

Conditions:
Pontocerebellar hypoplasia type 1A (PCH1A). Also called: PONTOCEREBELLAR HYPOPLASIA WITH ANTERIOR HORN CELL DISEASE; PONTOCEREBELLAR HYPOPLASIA WITH INFANTILE SPINAL MUSCULAR ATROPHY. Identifiers: Orphanet 2254, Orphanet 88616, MedGen C1843504, MONDO:0011866, OMIM 607596.

Allele frequency attached by ClinVar (database versions not stated): gnomAD 0.00001; TOPMed 0.00001.
gnomAD v4.1: 2 of 1,608,526 alleles (0.00012%); no homozygotes.

Submissions (2):

Labcorp Genetics (formerly Invitae), Labcorp
Classification: Likely benign for Pontocerebellar hypoplasia type 1A. Last evaluated: 2023-08-18. Review status: criteria provided, single submitter. Criteria: Invitae Variant Classification Sherloc (09022015). Collection method: clinical testing. Allele origin: germline.

GeneDx
Classification: Likely benign. Last evaluated: 2018-02-19. Review status: criteria provided, single submitter. Criteria: GeneDx Variant Classification (06012015). Collection method: clinical testing. Allele origin: germline. Affected: yes.
Comment: This variant is considered likely benign or benign based on one or more of the following criteria: it is a conservative change, it occurs at a poorly conserved position in the protein, it is predicted to be benign by multiple in silico algorithms, and/or has population frequency not consistent with disease.

NM_003384.3(VRK1):c.831-12A>G

Gene: VRK1 (VRK serine/threonine kinase 1; plus strand). Cytogenetic location: 14q32.2.
Variant type: single nucleotide variant.
Coding change: c.831-12A>G on transcript NM_003384.3 (MANE Select); 12 bases into the intron before coding-DNA position 831, A replaced by G.
Molecular consequence: intron variant.
Genome position (GRCh38, 1-based): chr14:96,856,516, A>G. VCF-style: chr14-96856516-A-G. GRCh37 (hg19) VCF-style: chr14-97322853-A-G.
Identifiers: ClinVar variation 515402 (VCV000515402.4), dbSNP rs1555361641, ClinGen allele CA658798262.